The following is an entry in ClinVar:

ClinVar aggregate classification (germline): Pathogenic (1 of 4 stars; one submission).

Conditions:
Nemaline myopathy 9 (NEM9). Identifiers: MedGen C3810384, MONDO:0014326, OMIM 615731.

Submission:

Labcorp Genetics (formerly Invitae), Labcorp
Classification: Pathogenic for Nemaline myopathy 9. Last evaluated: 2025-02-08. Review status: criteria provided, single submitter. Criteria: Invitae Variant Classification Sherloc (09022015). Collection method: clinical testing. Allele origin: germline.
Comment: This sequence change creates a premature translational stop signal (p.Ser539Alafs*14) in the KLHL41 gene. It is expected to result in an absent or disrupted protein product. Loss-of-function variants in KLHL41 are known to be pathogenic (PMID: 24268659). This variant is not present in population databases (gnomAD no frequency). This variant has not been reported in the literature in individuals affected with KLHL41-related conditions. For these reasons, this variant has been classified as Pathogenic.

Literature cited by the submitters: PubMed 24268659.

NM_006063.3(KLHL41):c.1615del (p.Ser539fs)

Gene: KLHL41 (kelch like family member 41; plus strand). Cytogenetic location: 2q31.1.
Variant type: Deletion.
Coding change: c.1615del on transcript NM_006063.3 (MANE Select); coding-DNA position 1615, one base deleted (A; older notation c.1615delA).
Protein change: p.Ser539fs; shifts the reading frame from serine 539.
Molecular consequence: frameshift variant.
Genome position (GRCh38, 1-based): chr2:169,520,913, A deleted. VCF-style (leftmost placement, unchanged base first): chr2-169520912-CA-C. GRCh37 (hg19) VCF-style: chr2-170377422-CA-C.
Other names: short protein forms S539fs.
Identifiers: ClinVar variation 4712589 (VCV004712589.1).